The following is an entry in ClinVar:

ClinVar aggregate classification (germline): Uncertain significance. Review status: criteria provided, multiple submitters, no conflicts (2 of 4 stars). 2 submissions from 2 submitters: Uncertain significance (2). Last evaluated 2023-04-07.

Conditions:
Hereditary cancer-predisposing syndrome. Also called: Neoplastic Syndromes, Hereditary; Hereditary Cancer Syndrome; Hereditary neoplastic syndrome; Tumor predisposition. Identifiers: Orphanet 140162, MedGen C0027672, MeSH D009386, MONDO:0015356.
Pheochromocytoma/paraganglioma syndrome 4. Also called: SDHB-Related Hereditary Paraganglioma-Pheochromocytoma Syndrome (Paragangliomas 4); SDHB-Related Hereditary Paraganglioma-Pheochromocytoma Syndrome; Paragangliomas 4; CAROTID BODY TUMORS AND MULTIPLE EXTRAADRENAL PHEOCHROMOCYTOMAS; PARAGANGLIOMA, FAMILIAL MALIGNANT; PARAGANGLIOMAS, HEREDITARY EXTRAADRENAL. Identifiers: Orphanet 29072, MedGen C1861848, MONDO:0007273, OMIM 115310.
Gastrointestinal stromal tumor. Also called: Gastrointestinal stromal tumor, somatic; Gastrointestinal stroma tumor. Identifiers: Orphanet 44890, MedGen C0238198, MeSH D046152, MONDO:0011719, OMIM 606764, HP:0100723.
Pheochromocytoma. Also called: MAX-Related Hereditary Paraganglioma-Pheochromocytoma Syndrome. Identifiers: Orphanet 29072, MedGen C0031511, MONDO:0008233, OMIM 171300, HP:0002666.

Submissions (2):

Labcorp Genetics (formerly Invitae), Labcorp
Classification: Uncertain significance for Gastrointestinal stromal tumor; Pheochromocytoma/paraganglioma syndrome 4; Pheochromocytoma. Last evaluated: 2023-04-07. Review status: criteria provided, single submitter. Criteria: Invitae Variant Classification Sherloc (09022015). Collection method: clinical testing. Allele origin: germline.
Comment: In summary, the available evidence is currently insufficient to determine the role of this variant in disease. Therefore, it has been classified as a Variant of Uncertain Significance. Advanced modeling of protein sequence and biophysical properties (such as structural, functional, and spatial information, amino acid conservation, physicochemical variation, residue mobility, and thermodynamic stability) performed at Invitae indicates that this missense variant is not expected to disrupt SDHB protein function. ClinVar contains an entry for this variant (Variation ID: 819660). This variant has not been reported in the literature in individuals affected with SDHB-related conditions. This variant is not present in population databases (gnomAD no frequency). This sequence change replaces aspartic acid, which is acidic and polar, with asparagine, which is neutral and polar, at codon 54 of the SDHB protein (p.Asp54Asn).

Ambry Genetics
Classification: Uncertain significance for Hereditary cancer-predisposing syndrome. Last evaluated: 2019-07-12. Review status: criteria provided, single submitter. Criteria: Ambry Variant Classification Scheme 2023. Collection method: clinical testing. Allele origin: germline.
Comment: The p.D54N variant (also known as c.160G>A), located in coding exon 2 of the SDHB gene, results from a G to A substitution at nucleotide position 160. The aspartic acid at codon 54 is replaced by asparagine, an amino acid with highly similar properties. This amino acid position is highly conserved in available vertebrate species. In addition, the in silico prediction for this alteration is inconclusive. Since supporting evidence is limited at this time, the clinical significance of this alteration remains unclear.

NM_003000.3(SDHB):c.160G>A (p.Asp54Asn)

Gene: SDHB (succinate dehydrogenase complex iron sulfur subunit B; minus strand). Cytogenetic location: 1p36.13.
Variant type: single nucleotide variant.
Coding change: c.160G>A on transcript NM_003000.3 (MANE Select); coding-DNA position 160, G replaced by A.
Protein change: p.Asp54Asn; replaces aspartic acid 54 with asparagine.
Molecular consequence: missense variant.
Genome position (GRCh38, 1-based): chr1:17,044,801, C>T on the plus strand (G>A on the coding strand, the complement: SDHB is on the minus strand). VCF-style: chr1-17044801-C-T. GRCh37 (hg19) VCF-style: chr1-17371296-C-T.
Other names: short protein forms D54N.
Identifiers: ClinVar variation 819660 (VCV000819660.12), dbSNP rs1570957997, ClinGen allele CA338227932.